The following is an entry in ClinVar:

NM_198506.5(LRIT3):c.709C>T (p.Arg237Cys)

Gene: LRIT3 (leucine rich repeat, Ig-like and transmembrane domains 3; plus strand). Cytogenetic location: 4q25.
Variant type: single nucleotide variant.
Coding change: c.709C>T on transcript NM_198506.5 (MANE Select); coding-DNA position 709, C replaced by T.
Protein change: p.Arg237Cys; replaces arginine 237 with cysteine.
Molecular consequence: missense variant.
Genome position (GRCh38, 1-based): chr4:109,867,760, C>T. VCF-style: chr4-109867760-C-T. GRCh37 (hg19) VCF-style: chr4-110788916-C-T.
Other names: c.574C>T (NM_198506.2); short protein forms R237C.
Identifiers: ClinVar variation 1509128 (VCV001509128.4), dbSNP rs184666295, ClinGen allele CA3043049.

ClinVar aggregate classification (germline): Uncertain significance. Review status: criteria provided, multiple submitters, no conflicts (2 of 4 stars). 2 submissions from 2 submitters: Uncertain significance (2). Last evaluated 2023-10-16.

Conditions:
Inborn genetic diseases. Identifiers: MedGen C0950123, MeSH D030342.

Allele frequency attached by ClinVar (database versions not stated): gnomAD 0.00002 and 0.00003; gnomAD exomes 0.00002 and 0.00006; TOPMed 0.00002; ExAC 0.00007; 1000 Genomes Project 30x 0.00016; 1000 Genomes Project 0.00020.
gnomAD v4.1: 30 of 1,614,142 alleles (0.0019%); highest among the groups gnomAD compares: East Asian, 0.018%; no homozygotes.

Submissions (2):

Ambry Genetics
Classification: Uncertain significance for Inborn genetic diseases. Last evaluated: 2023-10-16. Review status: criteria provided, single submitter. Criteria: Ambry Variant Classification Scheme 2023. Collection method: clinical testing. Allele origin: germline.

Labcorp Genetics (formerly Invitae), Labcorp
Classification: Uncertain significance. Last evaluated: 2022-08-09. Review status: criteria provided, single submitter. Criteria: Invitae Variant Classification Sherloc (09022015). Collection method: clinical testing. Allele origin: germline.
Comment: This sequence change replaces arginine, which is basic and polar, with cysteine, which is neutral and slightly polar, at codon 237 of the LRIT3 protein (p.Arg237Cys). This variant is present in population databases (rs184666295, gnomAD 0.03%). This variant has not been reported in the literature in individuals affected with LRIT3-related conditions. ClinVar contains an entry for this variant (Variation ID: 1509128). Algorithms developed to predict the effect of missense changes on protein structure and function are either unavailable or do not agree on the potential impact of this missense change (SIFT: "Tolerated"; PolyPhen-2: "Possibly Damaging"; Align-GVGD: "Class C0"). In summary, the available evidence is currently insufficient to determine the role of this variant in disease. Therefore, it has been classified as a Variant of Uncertain Significance.